The following is an entry in ClinVar:

NM_002972.4(SBF1):c.5597G>A (p.Arg1866His)

Gene: SBF1 (SET binding factor 1; minus strand). Cytogenetic location: 22q13.33.
Variant type: single nucleotide variant.
Coding change: c.5597G>A on transcript NM_002972.4 (MANE Select); coding-DNA position 5597, G replaced by A.
Protein change: p.Arg1866His; replaces arginine 1866 with histidine.
Molecular consequence: missense variant.
Genome position (GRCh38, 1-based): chr22:50,447,227, C>T on the plus strand (G>A on the coding strand, the complement: SBF1 is on the minus strand). VCF-style: chr22-50447227-C-T. GRCh37 (hg19) VCF-style: chr22-50885656-C-T.
Other names: c.5597G>A (NM_002972.2); c.5522G>A, p.Arg1841His (NM_001365819.1); short protein forms R1866H, R1841H.
Identifiers: ClinVar variation 1370674 (VCV001370674.7), dbSNP rs770090328, ClinGen allele CA10315752.

ClinVar aggregate classification (germline): Uncertain significance. Review status: criteria provided, multiple submitters, no conflicts (2 of 4 stars). 3 submissions from 3 submitters: Uncertain significance (3). Last evaluated 2025-06-04.

Allele frequency attached by ClinVar (database versions not stated): TOPMed 0.00002; gnomAD 0.00003; gnomAD exomes 0.00006; ExAC 0.00013.
gnomAD v4.1: 101 of 1,613,860 alleles (0.0063%); highest among the groups gnomAD compares: Middle Eastern, 0.016%; no homozygotes.

Submissions (3):

GeneDx
Classification: Uncertain significance. Last evaluated: 2025-06-04. Review status: criteria provided, single submitter. Criteria: GeneDx Variant Classification Process June 2021. Collection method: clinical testing. Allele origin: germline. Affected: yes.
Comment: Not observed at significant frequency in large population cohorts (gnomAD); In silico analysis supports that this missense variant has a deleterious effect on protein structure/function; Has not been previously published as pathogenic or benign to our knowledge

Ambry Genetics
Classification: Uncertain significance. Last evaluated: 2023-12-21. Review status: criteria provided, single submitter. Criteria: Ambry Variant Classification Scheme 2023. Collection method: clinical testing. Allele origin: germline.

Labcorp Genetics (formerly Invitae), Labcorp
Classification: Uncertain significance. Last evaluated: 2022-07-17. Review status: criteria provided, single submitter. Criteria: Invitae Variant Classification Sherloc (09022015). Collection method: clinical testing. Allele origin: germline.
Comment: This sequence change replaces arginine, which is basic and polar, with histidine, which is basic and polar, at codon 1866 of the SBF1 protein (p.Arg1866His). This variant is present in population databases (rs770090328, gnomAD 0.01%). This variant has not been reported in the literature in individuals affected with SBF1-related conditions. ClinVar contains an entry for this variant (Variation ID: 1370674). Algorithms developed to predict the effect of missense changes on protein structure and function are either unavailable or do not agree on the potential impact of this missense change (SIFT: "Tolerated"; PolyPhen-2: "Possibly Damaging"; Align-GVGD: "Class C0"). In summary, the available evidence is currently insufficient to determine the role of this variant in disease. Therefore, it has been classified as a Variant of Uncertain Significance.